The following is an entry in ClinVar:

NM_000553.6(WRN):c.1588C>A (p.Pro530Thr)

Gene: WRN (WRN RecQ like helicase; plus strand). Cytogenetic location: 8p12.
Variant type: single nucleotide variant.
Coding change: c.1588C>A on transcript NM_000553.6 (MANE Select); coding-DNA position 1588, C replaced by A.
Protein change: p.Pro530Thr; replaces proline 530 with threonine.
Molecular consequence: missense variant.
Genome position (GRCh38, 1-based): chr8:31,088,901, C>A. VCF-style: chr8-31088901-C-A. GRCh37 (hg19) VCF-style: chr8-30946417-C-A.
Other names: short protein forms P530T.
Identifiers: ClinVar variation 458386 (VCV000458386.3), dbSNP rs1554522734, ClinGen allele CA370926075.

ClinVar aggregate classification (germline): Uncertain significance (1 of 4 stars; one submission).

Conditions:
Werner syndrome (WRN). Identifiers: Orphanet 902, MedGen C0043119, MONDO:0010196, OMIM 277700.

Submission:

Labcorp Genetics (formerly Invitae), Labcorp
Classification: Uncertain significance for Werner syndrome. Last evaluated: 2017-07-19. Review status: criteria provided, single submitter. Criteria: Invitae Variant Classification Sherloc (09022015). Collection method: clinical testing. Allele origin: germline.
Comment: This variant is not present in population databases (ExAC no frequency). This variant has not been reported in the literature in individuals with WRN-related disease. Algorithms developed to predict the effect of missense changes on protein structure and function do not agree on the potential impact of this missense change (SIFT: "Tolerated"; PolyPhen-2: "Probably Damaging"; Align-GVGD: "Class C0"). In summary, the available evidence is currently insufficient to determine the role of this variant in disease. Therefore, it has been classified as a Variant of Uncertain Significance. This sequence change replaces proline with threonine at codon 530 of the WRN protein (p.Pro530Thr). The proline residue is highly conserved and there is a small physicochemical difference between proline and threonine.